The following is an entry in ClinVar:

ClinVar aggregate classification (germline): Uncertain significance. Review status: criteria provided, multiple submitters, no conflicts (2 of 4 stars). 2 submissions from 2 submitters: Uncertain significance (2). Last evaluated 2025-05-13.

Conditions:
Tuberous sclerosis 2 (TSC2). Identifiers: Orphanet 805, MedGen C1860707, MONDO:0013199, OMIM 613254.
Hereditary cancer-predisposing syndrome. Also called: Neoplastic Syndromes, Hereditary; Hereditary Cancer Syndrome; Tumor predisposition; Hereditary neoplastic syndrome. Identifiers: Orphanet 140162, MedGen C0027672, MeSH D009386, MONDO:0015356.

gnomAD v4.1: 1 of 1,613,420 alleles (0.000062%); highest among the groups gnomAD compares: Non-Finnish European, 0.000085%; no homozygotes.

Submissions (2):

Labcorp Genetics (formerly Invitae), Labcorp
Classification: Uncertain significance for Tuberous sclerosis 2. Last evaluated: 2025-05-13. Review status: criteria provided, single submitter. Criteria: Invitae Variant Classification Sherloc (09022015). Collection method: clinical testing. Allele origin: germline.
Comment: This sequence change replaces alanine, which is neutral and non-polar, with serine, which is neutral and polar, at codon 583 of the TSC2 protein (p.Ala583Ser). This variant is not present in population databases (gnomAD no frequency). This variant has not been reported in the literature in individuals affected with TSC2-related conditions. ClinVar contains an entry for this variant (Variation ID: 2564730). Invitae Evidence Modeling of protein sequence and biophysical properties (such as structural, functional, and spatial information, amino acid conservation, physicochemical variation, residue mobility, and thermodynamic stability) indicates that this missense variant is not expected to disrupt TSC2 protein function with a negative predictive value of 95%. In summary, the available evidence is currently insufficient to determine the role of this variant in disease. Therefore, it has been classified as a Variant of Uncertain Significance.

Ambry Genetics
Classification: Uncertain significance for Hereditary cancer-predisposing syndrome. Last evaluated: 2023-05-14. Review status: criteria provided, single submitter. Criteria: Ambry Variant Classification Scheme 2023. Collection method: clinical testing. Allele origin: germline.
Comment: The p.A583S variant (also known as c.1747G>T), located in coding exon 16 of the TSC2 gene, results from a G to T substitution at nucleotide position 1747. The alanine at codon 583 is replaced by serine, an amino acid with similar properties. This amino acid position is conserved. In addition, this alteration is predicted to be deleterious by in silico analysis. Since supporting evidence is limited at this time, the clinical significance of this alteration remains unclear.

NM_000548.5(TSC2):c.1747G>T (p.Ala583Ser)

Gene: TSC2 (TSC complex subunit 2; plus strand). Cytogenetic location: 16p13.3.
Variant type: single nucleotide variant.
Coding change: c.1747G>T on transcript NM_000548.5 (MANE Select); coding-DNA position 1747, G replaced by T.
Protein change: p.Ala583Ser; replaces alanine 583 with serine.
Molecular consequence: missense variant. On other transcripts: non-coding transcript variant (5).
Genome position (GRCh38, 1-based): chr16:2,070,486, G>T. VCF-style: chr16-2070486-G-T. GRCh37 (hg19) VCF-style: chr16-2120487-G-T.
Other names: c.1747G>T, p.Ala583Ser (NM_001077183.3, NM_001114382.3, NM_001363528.2 and 6 more transcripts); c.1636G>T, p.Ala546Ser (NM_001318827.2, NM_001406678.1, NM_001406670.1); c.1600G>T, p.Ala534Ser (NM_001318829.2, NM_001406676.1, NM_001406679.1 and 1 more transcripts); c.1147G>T, p.Ala383Ser (NM_001318831.2, NM_001406680.1, NM_001406682.1 and 6 more transcripts); c.1780G>T, p.Ala594Ser (NM_001318832.2); c.403G>T, p.Ala135Ser (NM_001406695.1, NM_001406696.1, NM_001406697.1 and 6 more transcripts); c.145G>T, p.Ala49Ser (NM_001406698.1); c.1690G>T, p.Ala564Ser (NM_001406677.1); and 3 more; short protein forms A49S, A534S, A579S, A583S, A594S, A383S, A564S, A613S.
Identifiers: ClinVar variation 2564730 (VCV002564730.4), dbSNP rs1800729, ClinGen allele CA394272778.
Genomic context (GRCh38, chr16:2,070,486, plus strand): 5'-GCCGTGGTGAGCTGCGTCCTCTCTCTGCAGACCAAGCTGTACACCCTGCCTGCAAGCCAC[G>T]CCACGCGTGTGTATGAGATGCTGGTCAGCCACATTCAGCTCCACTACAAGCACAGCTACA-3'
Protein context (NP_000539.2, residues 573-593): TKLYTLPASH[Ala583Ser]TRVYEMLVSH